The following is an entry in ClinVar:

NM_001201543.2(FAM161A):c.75G>T (p.Ala25=)

Genes: FAM161A (FAM161 centrosomal protein A; minus strand), LOC129933843 (ATAC-STARR-seq lymphoblastoid active region 15839; plus strand). Cytogenetic location: 2p15.
Variant type: single nucleotide variant.
Coding change: c.75G>T on transcript NM_001201543.2 (MANE Select); coding-DNA position 75, G replaced by T.
Protein change: p.Ala25=; no amino-acid change (alanine 25 retained).
Molecular consequence: synonymous variant. On other transcripts: non-coding transcript variant (1).
Genome position (GRCh38, 1-based): chr2:61,853,967, C>A on the plus strand (G>T on the coding strand, the complement: FAM161A is on the minus strand). VCF-style: chr2-61853967-C-A. GRCh37 (hg19) VCF-style: chr2-62081102-C-A.
Other names: c.75G>T (NM_001201543.1); c.75G>T, p.Ala25= (NM_032180.3).
Identifiers: ClinVar variation 1549655 (VCV001549655.16), dbSNP rs976064495, ClinGen allele CA426212472.
Genomic context (GRCh38, chr2:61,853,967, plus strand): 5'-GATCGCCTCCGCTGCCGCCAGGGCCTTTAAGGGGTCTTCGCGTTCGTACTGGGCGACCCG[C>A]GCTCCAGTGATGGGATTTACCGGGGTCTGGAGACTGGAGGCCACCAGCTTCGCCACTCGG-3'
Protein context (NP_001188472.1, residues 15-35): LQTPVNPITG[Ala25=]RVAQYEREDP

ClinVar aggregate classification (germline): Likely benign. Review status: criteria provided, multiple submitters, no conflicts (2 of 4 stars). 3 submissions from 3 submitters: Likely benign (2). 1 of the submissions does not count toward it. Last evaluated 2025-09-01.

Conditions:
Retinitis pigmentosa 28 (RP28). Identifiers: Orphanet 791, MedGen C1419614, MONDO:0011630, OMIM 606068.

Submissions (3):

CeGaT Center for Human Genetics Tuebingen
Classification: Likely benign. Last evaluated: 2025-09-01. Review status: criteria provided, single submitter. Criteria: CeGaT Center For Human Genetics Tuebingen Variant Classification Criteria Version 2. Collection method: clinical testing. Allele origin: germline. Affected: yes. Observed: 1 variant allele.
Comment: FAM161A: PM2:Supporting, BP4, BP7

Labcorp Genetics (formerly Invitae), Labcorp
Classification: Likely benign. Last evaluated: 2022-01-19. Review status: criteria provided, single submitter. Criteria: Invitae Variant Classification Sherloc (09022015). Collection method: clinical testing. Allele origin: germline.

Natera, Inc.
Classification: Likely benign for Retinitis pigmentosa type 28. Last evaluated: 2025-01-08. Review status: no assertion criteria provided. Collection method: clinical testing. Allele origin: germline. Not counted in ClinVar's aggregate classification.